The following is an entry in ClinVar:

ClinVar aggregate classification (germline): Pathogenic (1 of 4 stars; one submission).

Submission:

GeneDx
Classification: Pathogenic. Last evaluated: 2017-05-25. Review status: criteria provided, single submitter. Criteria: GeneDx Variant Classification (06012015). Collection method: clinical testing. Allele origin: germline. Affected: yes.
Comment: The E1031K variant in the FBN1 gene has not been reported previously as a pathogenic variant nor as a benign variant, to our knowledge. The E1031K variant is not observed in large population cohorts (Lek et al., 2016; 1000 Genomes Consortium et al., 2015; Exome Variant Server). The E1031K variant is a non-conservative amino acid substitution, which is likely to impact secondary protein structure as these residues differ in polarity, charge, size and/or other properties. This substitution occurs at a position that is conserved across species and is located within calcium binding EGF-like domain 15 (UniPort). In silico analysis predicts this variant is probably damaging to the protein structure/function. Missense variants in nearby residues (D1028Y, D1028V, D1028G, C1032Y) have been reported in the Human Gene Mutation Database in association with Marfan syndrome (Stenson et al., 2014), supporting the functional importance of this region of the protein. We interpret E1031K as a pathogenic variant.

NM_000138.5(FBN1):c.3091G>A (p.Glu1031Lys)

Gene: FBN1 (fibrillin 1; minus strand). Cytogenetic location: 15q21.1.
Variant type: single nucleotide variant.
Coding change: c.3091G>A on transcript NM_000138.5 (MANE Select); coding-DNA position 3091, G replaced by A.
Protein change: p.Glu1031Lys; replaces glutamic acid 1031 with lysine.
Molecular consequence: missense variant.
Genome position (GRCh38, 1-based): chr15:48,488,485, C>T on the plus strand (G>A on the coding strand, the complement: FBN1 is on the minus strand). VCF-style: chr15-48488485-C-T. GRCh37 (hg19) VCF-style: chr15-48780682-C-T.
Other names: short protein forms E1031K.
Identifiers: ClinVar variation 432343 (VCV000432343.2), dbSNP rs1555398685, ClinGen allele CA392328281.